The following is an entry in ClinVar:

ClinVar aggregate classification (germline): Uncertain significance. Review status: criteria provided, multiple submitters, no conflicts (2 of 4 stars). 2 submissions from 2 submitters: Uncertain significance (2). Last evaluated 2024-07-22.

Conditions:
Norman-Roberts syndrome (LIS2). Also called: Lissencephaly 2 (Norman-Roberts type). Identifiers: Orphanet 89844, MedGen C0796089, MONDO:0009760, OMIM 257320.
Familial temporal lobe epilepsy 7. Identifiers: Orphanet 101046, MedGen C4225327, MONDO:0014639, OMIM 616436.

Allele frequency attached by ClinVar (database versions not stated): gnomAD exomes below 0.00001; TOPMed below 0.00001; ExAC 0.00001.
gnomAD v4.1: 2 of 1,614,066 alleles (0.00012%); highest among the groups gnomAD compares: Non-Finnish European, 0.00017%; no homozygotes.

Submissions (2):

Labcorp Genetics (formerly Invitae), Labcorp
Classification: Uncertain significance for Familial temporal lobe epilepsy 7; Norman-Roberts syndrome. Last evaluated: 2024-07-22. Review status: criteria provided, single submitter. Criteria: Invitae Variant Classification Sherloc (09022015). Collection method: clinical testing. Allele origin: germline.
Comment: This sequence change replaces histidine, which is basic and polar, with arginine, which is basic and polar, at codon 2886 of the RELN protein (p.His2886Arg). This variant is present in population databases (rs778109079, gnomAD 0.0009%). This variant has not been reported in the literature in individuals affected with RELN-related conditions. ClinVar contains an entry for this variant (Variation ID: 252644). Advanced modeling of protein sequence and biophysical properties (such as structural, functional, and spatial information, amino acid conservation, physicochemical variation, residue mobility, and thermodynamic stability) performed at Invitae indicates that this missense variant is not expected to disrupt RELN protein function with a negative predictive value of 80%. In summary, the available evidence is currently insufficient to determine the role of this variant in disease. Therefore, it has been classified as a Variant of Uncertain Significance.

Genomic Diagnostic Laboratory, Division of Genomic Diagnostics, Children's Hospital of Philadelphia
Classification: Uncertain significance. Last evaluated: 2015-10-12. Review status: criteria provided, single submitter. Criteria: DGD Variant Analysis Guidelines. Collection method: clinical testing. Allele origin: unknown.

NM_005045.4(RELN):c.8657A>G (p.His2886Arg)

Genes: SLC26A5-AS1 (SLC26A5 antisense RNA 1; plus strand), RELN (reelin; minus strand). Cytogenetic location: 7q22.1.
Variant type: single nucleotide variant.
Coding change: c.8657A>G on transcript NM_005045.4 (MANE Select); coding-DNA position 8657, A replaced by G.
Protein change: p.His2886Arg; replaces histidine 2886 with arginine.
Molecular consequence: missense variant.
Genome position (GRCh38, 1-based): chr7:103,500,755, T>C on the plus strand (A>G on the coding strand, the complement: RELN is on the minus strand). VCF-style: chr7-103500755-T-C. GRCh37 (hg19) VCF-style: chr7-103141202-T-C.
Other names: c.8657A>G, p.His2886Arg (NM_173054.3); short protein forms H2886R.
Identifiers: ClinVar variation 252644 (VCV000252644.9), dbSNP rs778109079, ClinGen allele CA4420437.
Genomic context (GRCh38, chr7:103,500,755, plus strand): 5'-GCATGACCCATGATGTGAGTAATGCGTCTTGTCCAGGGCTTTACCCTTACCTTCAGAGTG[T>C]GGGTCAAGTAGCAGTTTGGCCCTGAGTATCCCGGATCACAGATGCACTGTTCCCTTAAGC-3'
Protein context (NP_005036.2, residues 2876-2896): GYSGPNCYLT[His2886Arg]TLKTFLKERF